The following is an entry in ClinVar:

NM_001005273.3(CHD3):c.3683T>G (p.Ile1228Ser)

Gene: CHD3 (chromodomain helicase DNA binding protein 3; plus strand). Cytogenetic location: 17p13.1.
Variant type: single nucleotide variant.
Coding change: c.3683T>G on transcript NM_001005273.3 (MANE Select); coding-DNA position 3683, T replaced by G.
Protein change: p.Ile1228Ser; replaces isoleucine 1228 with serine.
Molecular consequence: missense variant.
Genome position (GRCh38, 1-based): chr17:7,903,459, T>G. VCF-style: chr17-7903459-T-G. GRCh37 (hg19) VCF-style: chr17-7806777-T-G.
Other names: c.3860T>G, p.Ile1287Ser (NM_001005271.3); c.3683T>G, p.Ile1228Ser (NM_005852.4); short protein forms I1228S, I1287S.
Identifiers: ClinVar variation 2584426 (VCV002584426.1), dbSNP rs2545008174, ClinGen allele CA397942586.

ClinVar aggregate classification (germline): Likely pathogenic (1 of 4 stars; one submission).

Conditions:
Snijders Blok-Campeau syndrome. Also called: INTELLECTUAL DEVELOPMENTAL DISORDER WITH MACROCEPHALY, SPEECH DELAY, AND DYSMORPHIC FACIES. Identifiers: Orphanet 599082, MedGen C4748701, MONDO:0032600, OMIM 618205.

Submission:

Rady Children's Institute for Genomic Medicine, Rady Children's Hospital San Diego
Classification: Likely pathogenic for SNIJDERS BLOK-CAMPEAU SYNDROME. Review status: criteria provided, single submitter. Criteria: ACMG Guidelines, 2015. Collection method: clinical testing. Allele origin: germline. Affected: yes.
Comment: This variant has not been previously reported or functionally characterized in the literature to our knowledge. The CHD3 gene is highly constrained (Z-score= 5.95 and pLI = 1), and missense variation is an established mechanism of disease for CHD3-related disorders (PMID: 30397230, 32483341). The c.3860T>G (p.Ile1287Ser) variant is absent from the gnomAD population database and thus is presumed to be rare. The c.3860T>G (p.Ile1287Ser) variant affects a highly conserved amino acid and is predicted by multiple in silico tools to have a deleterious effect on protein function. Analysis of the parental samples was negative for the variant, indicating this variant likely occurred as a de novo event. Based on the available evidence, the c.3860T>G (p.Ile1287Ser) variant is classified as Likely Pathogenic.